The following is an entry in ClinVar:

NM_000391.4(TPP1):c.1461G>C (p.Leu487Phe)

Gene: TPP1 (tripeptidyl peptidase 1; minus strand). Cytogenetic location: 11p15.4.
Variant type: single nucleotide variant.
Coding change: c.1461G>C on transcript NM_000391.4 (MANE Select); coding-DNA position 1461, G replaced by C.
Protein change: p.Leu487Phe; replaces leucine 487 with phenylalanine.
Molecular consequence: missense variant.
Genome position (GRCh38, 1-based): chr11:6,614,956, C>G on the plus strand (G>C on the coding strand, the complement: TPP1 is on the minus strand). VCF-style: chr11-6614956-C-G. GRCh37 (hg19) VCF-style: chr11-6636187-C-G.
Other names: c.1461G>C (NM_000391.3); short protein forms L487F.
Identifiers: ClinVar variation 1494606 (VCV001494606.4), dbSNP rs532438658, ClinGen allele CA5858641.
Genomic context (GRCh38, chr11:6,614,956, plus strand): 5'-GAGCCTTGGGTTGAGAAAGCCAAGAGGGGGGCGGCCACTAAGGATCCTGTGCTCATTGAT[C>G]AAGGATAGGATCCCCCCAAACACTGGAGTAGAGGCCTACAAGAGTGAAGGTGCAAGTAGA-3'
Protein context (NP_000382.3, residues 477-497): STPVFGGILS[Leu487Phe]INEHRILSGR

ClinVar aggregate classification (germline): Uncertain significance. Review status: criteria provided, multiple submitters, no conflicts (2 of 4 stars). 2 submissions from 2 submitters: Uncertain significance (2). Last evaluated 2025-09-11.

Conditions:
Inborn genetic diseases. Identifiers: MedGen C0950123, MeSH D030342.

Allele frequency attached by ClinVar (database versions not stated): ExAC 0.00001; gnomAD exomes 0.00001; gnomAD 0.00002 and 0.00003; 1000 Genomes Project 30x 0.00016; 1000 Genomes Project 0.00020.
gnomAD v4.1: 13 of 1,614,090 alleles (0.00081%); highest among the groups gnomAD compares: African/African-American, 0.017%; no homozygotes.

Submissions (2):

Ambry Genetics
Classification: Uncertain significance for Inborn genetic diseases. Last evaluated: 2025-09-11. Review status: criteria provided, single submitter. Criteria: Ambry Variant Classification Scheme 2023. Collection method: clinical testing. Allele origin: germline.

Labcorp Genetics (formerly Invitae), Labcorp
Classification: Uncertain significance. Last evaluated: 2022-10-25. Review status: criteria provided, single submitter. Criteria: Invitae Variant Classification Sherloc (09022015). Collection method: clinical testing. Allele origin: germline.
Comment: This sequence change replaces leucine, which is neutral and non-polar, with phenylalanine, which is neutral and non-polar, at codon 487 of the TPP1 protein (p.Leu487Phe). This variant is present in population databases (rs532438658, gnomAD 0.02%). This variant has not been reported in the literature in individuals affected with TPP1-related conditions. ClinVar contains an entry for this variant (Variation ID: 1494606). Advanced modeling of protein sequence and biophysical properties (such as structural, functional, and spatial information, amino acid conservation, physicochemical variation, residue mobility, and thermodynamic stability) performed at Invitae indicates that this missense variant is expected to disrupt TPP1 protein function. In summary, the available evidence is currently insufficient to determine the role of this variant in disease. Therefore, it has been classified as a Variant of Uncertain Significance.